The following is an entry in ClinVar:

ClinVar aggregate classification (germline): Uncertain significance (1 of 4 stars; one submission).

Submission:

Labcorp Genetics (formerly Invitae), Labcorp
Classification: Uncertain significance. Last evaluated: 2023-05-21. Review status: criteria provided, single submitter. Criteria: Invitae Variant Classification Sherloc (09022015). Collection method: clinical testing. Allele origin: germline.
Comment: This variant has not been reported in the literature in individuals affected with NPAT-related conditions. This variant is not present in population databases (gnomAD no frequency). This sequence change replaces serine, which is neutral and polar, with threonine, which is neutral and polar, at codon 822 of the NPAT protein (p.Ser822Thr). Algorithms developed to predict the effect of missense changes on protein structure and function output the following: SIFT: "Not Available"; PolyPhen-2: "Benign"; Align-GVGD: "Not Available". The threonine amino acid residue is found in multiple mammalian species, which suggests that this missense change does not adversely affect protein function. In summary, the available evidence is currently insufficient to determine the role of this variant in disease. Therefore, it has been classified as a Variant of Uncertain Significance.

NM_002519.3(NPAT):c.2464T>A (p.Ser822Thr)

Gene: NPAT (nuclear protein, coactivator of histone transcription; minus strand). Cytogenetic location: 11q22.3.
Variant type: single nucleotide variant.
Coding change: c.2464T>A on transcript NM_002519.3 (MANE Select); coding-DNA position 2464, T replaced by A.
Protein change: p.Ser822Thr; replaces serine 822 with threonine.
Molecular consequence: missense variant.
Genome position (GRCh38, 1-based): chr11:108,172,520, A>T on the plus strand (T>A on the coding strand, the complement: NPAT is on the minus strand). VCF-style: chr11-108172520-A-T. GRCh37 (hg19) VCF-style: chr11-108043247-A-T.
Other names: c.2464T>A, p.Ser822Thr (NM_001321307.1); short protein forms S822T.
Identifiers: ClinVar variation 3002141 (VCV003002141.3), dbSNP rs2496717125, ClinGen allele CA382512925.